The following is an entry in ClinVar:

ClinVar aggregate classification (germline): Uncertain significance (1 of 4 stars; one submission).

Submission:

Labcorp Genetics (formerly Invitae), Labcorp
Classification: Uncertain significance. Last evaluated: 2021-09-20. Review status: criteria provided, single submitter. Criteria: Invitae Variant Classification Sherloc (09022015). Collection method: clinical testing. Allele origin: germline.
Comment: In summary, the available evidence is currently insufficient to determine the role of this variant in disease. Therefore, it has been classified as a Variant of Uncertain Significance. Algorithms developed to predict the effect of missense changes on protein structure and function are either unavailable or do not agree on the potential impact of this missense change (SIFT: "Deleterious"; PolyPhen-2: "Benign"; Align-GVGD: "Class C0"). This variant has not been reported in the literature in individuals affected with CACNA1D-related conditions. This variant is not present in population databases (ExAC no frequency). This sequence change replaces threonine with serine at codon 960 of the CACNA1D protein (p.Thr960Ser). The threonine residue is highly conserved and there is a small physicochemical difference between threonine and serine.

NM_001128840.3(CACNA1D):c.2819C>G (p.Thr940Ser)

Gene: CACNA1D (calcium voltage-gated channel subunit alpha1 D; plus strand). Cytogenetic location: 3p21.1.
Variant type: single nucleotide variant.
Coding change: c.2819C>G on transcript NM_001128840.3 (MANE Select); coding-DNA position 2819, C replaced by G.
Protein change: p.Thr940Ser; replaces threonine 940 with serine.
Molecular consequence: missense variant.
Genome position (GRCh38, 1-based): chr3:53,743,018, C>G. VCF-style: chr3-53743018-C-G. GRCh37 (hg19) VCF-style: chr3-53777045-C-G.
Other names: c.2879C>G, p.Thr960Ser (NM_000720.4); c.2819C>G, p.Thr940Ser (NM_001128839.3); short protein forms T960S, T940S.
Identifiers: ClinVar variation 1382429 (VCV001382429.6), dbSNP rs2108827596, ClinGen allele CA353245129.